The following is an entry in ClinVar:

ClinVar aggregate classification (germline): Likely benign. Review status: criteria provided, multiple submitters, no conflicts (2 of 4 stars). 2 submissions from 2 submitters: Likely benign (2). Last evaluated 2024-02-24.

Allele frequency attached by ClinVar (database versions not stated): gnomAD exomes 0.00001; TOPMed 0.00001; gnomAD 0.00002 and 0.00003; ExAC 0.00005; 1000 Genomes Project 30x 0.00016; 1000 Genomes Project 0.00020.
gnomAD v4.1: 13 of 1,551,700 alleles (0.00084%); highest among the groups gnomAD compares: African/African-American, 0.0014%; no homozygotes.

Submissions (2):

Labcorp Genetics (formerly Invitae), Labcorp
Classification: Likely benign. Last evaluated: 2024-02-24. Review status: criteria provided, single submitter. Criteria: Invitae Variant Classification Sherloc (09022015). Collection method: clinical testing. Allele origin: germline.

Laboratory for Molecular Medicine, Mass General Brigham Personalized Medicine
Classification: Likely benign. Last evaluated: 2016-05-13. Review status: criteria provided, single submitter. Criteria: LMM Criteria. Collection method: clinical testing. Allele origin: germline. Observed: 1 variant allele.
Comment: p.Val363Val in exon 8 of LOXHD1: This variant is not expected to have clinical s ignificance because it does not alter an amino acid residue and is not located w ithin the splice consensus sequence. It has been identified in 1/7914 South Asia n chromosomes by the Exome Aggregation Consortium (ExAC; dbSNP rs578169078).

NM_001384474.1(LOXHD1):c.1089C>T (p.Val363=)

Gene: LOXHD1 (lipoxygenase homology PLAT domains 1; minus strand). Cytogenetic location: 18q21.1.
Variant type: single nucleotide variant.
Coding change: c.1089C>T on transcript NM_001384474.1 (MANE Select); coding-DNA position 1089, C replaced by T.
Protein change: p.Val363=; no amino-acid change (valine 363 retained).
Molecular consequence: synonymous variant.
Genome position (GRCh38, 1-based): chr18:46,601,262, G>A on the plus strand (C>T on the coding strand, the complement: LOXHD1 is on the minus strand). VCF-style: chr18-46601262-G-A. GRCh37 (hg19) VCF-style: chr18-44181225-G-A.
Other names: c.1089C>T, p.Val363= (NM_144612.7).
Identifiers: ClinVar variation 505033 (VCV000505033.13), dbSNP rs578169078, ClinGen allele CA8952848.